The following is an entry in ClinVar:

ClinVar aggregate classification (germline): Likely benign. Review status: criteria provided, multiple submitters, no conflicts (2 of 4 stars). 5 submissions from 5 submitters: Likely benign (4). 1 of the submissions does not count toward it. Last evaluated 2026-01-17.

Conditions:
Classic homocystinuria. Also called: Homocystinuria due to Cystathionine Beta-Synthase Deficiency; Homocystinuria due to CBS deficiency; Cystathionine beta-synthase deficiency; CBS deficiency; HOMOCYSTINURIA WITH OR WITHOUT RESPONSE TO PYRIDOXINE. Identifiers: Orphanet 394, MedGen C0751202, MONDO:0009352, OMIM 236200.
CBS-related disorder. Also called: CBS-related condition.
HYPERHOMOCYSTEINEMIA, THROMBOTIC, CBS-RELATED. Identifiers: MedGen C3150344, OMIM 236200.

Allele frequency attached by ClinVar (database versions not stated): ExAC 0.00001; gnomAD exomes 0.00003; ESP Exome Variant Server 0.00015.

Submissions (5):

Labcorp Genetics (formerly Invitae), Labcorp
Classification: Likely benign for HYPERHOMOCYSTEINEMIA, THROMBOTIC, CBS-RELATED. Last evaluated: 2026-01-17. Review status: criteria provided, single submitter. Criteria: Invitae Variant Classification Sherloc (09022015). Collection method: clinical testing. Allele origin: germline.

Mayo Clinic Laboratories, Mayo Clinic
Classification: Likely benign. Last evaluated: 2025-10-24. Review status: criteria provided, single submitter. Criteria: ACMG Guidelines, 2015. Collection method: clinical testing. Allele origin: germline. Observed: 1 variant allele.
Comment: BP4, BP7

Blueprint Genetics
Classification: Likely benign. Last evaluated: 2024-11-14. Review status: criteria provided, single submitter. Criteria: ACMG Guidelines, 2015. Collection method: clinical testing. Allele origin: germline.

Fulgent Genetics
Classification: Likely benign for Classic homocystinuria. Last evaluated: 2021-10-04. Review status: criteria provided, single submitter. Criteria: ACMG Guidelines, 2015. Collection method: clinical testing. Allele origin: unknown.

PreventionGenetics, part of Exact Sciences
Classification: Likely benign for CBS-related condition. Last evaluated: 2022-09-19. Review status: no assertion criteria provided. Collection method: clinical testing. Allele origin: germline. Not counted in ClinVar's aggregate classification.
Comment: This variant is classified as likely benign based on ACMG/AMP sequence variant interpretation guidelines (Richards et al. 2015 PMID: 25741868, with internal and published modifications).

NM_000071.3(CBS):c.1146-7C>T

Gene: CBS (cystathionine beta-synthase; minus strand). Cytogenetic location: 21q22.3.
Variant type: single nucleotide variant.
Coding change: c.1146-7C>T on transcript NM_000071.3 (MANE Select); 7 bases into the intron before coding-DNA position 1146, C replaced by T.
Molecular consequence: intron variant.
Genome position (GRCh38, 1-based): chr21:43,059,310, G>A on the plus strand (C>T on the coding strand, the complement: CBS is on the minus strand). VCF-style: chr21-43059310-G-A. GRCh37 (hg19) VCF-style: chr21-44479420-G-A.
Other names: p.?; c.1146-7C>T (NM_001320298.2, NM_001178009.3, NM_001178008.3); c.831-7C>T (NM_001321072.1).
Identifiers: ClinVar variation 471354 (VCV000471354.56), dbSNP rs376749931, ClinGen allele CA321688625.